The following is an entry in ClinVar:

ClinVar aggregate classification (germline): Likely benign (1 of 4 stars; one submission).

Allele frequency attached by ClinVar (database versions not stated): gnomAD 0.00006; ExAC 0.00016.
gnomAD v4.1: 70 of 1,579,826 alleles (0.0044%); highest among the groups gnomAD compares: South Asian, 0.032%; no homozygotes.

Submission:

CeGaT Center for Human Genetics Tuebingen
Classification: Likely benign. Last evaluated: 2024-04-01. Review status: criteria provided, single submitter. Criteria: CeGaT Center For Human Genetics Tuebingen Variant Classification Criteria Version 2. Collection method: clinical testing. Allele origin: germline. Affected: yes. Observed: 1 variant allele.
Comment: CEL: BP4, BP7

NM_001807.6(CEL):c.2160C>T (p.Ser720=)

Gene: CEL (carboxyl ester lipase; plus strand). Cytogenetic location: 9q34.13.
Variant type: single nucleotide variant.
Coding change: c.2160C>T on transcript NM_001807.6 (MANE Select); coding-DNA position 2160, C replaced by T.
Protein change: p.Ser720=; no amino-acid change (serine 720 retained).
Molecular consequence: synonymous variant.
Genome position (GRCh38, 1-based): chr9:133,071,662, C>T. VCF-style: chr9-133071662-C-T. GRCh37 (hg19) VCF-style: chr9-135947049-C-T.
Identifiers: ClinVar variation 3234121 (VCV003234121.20), dbSNP rs778336618, ClinGen allele CA5303662.